The following is an entry in ClinVar:

ClinVar aggregate classification (germline): Benign/Likely benign. Review status: criteria provided, multiple submitters, no conflicts (2 of 4 stars). 3 submissions from 3 submitters: Benign (1); Likely benign (1). 1 of the submissions does not count toward it. Last evaluated 2026-09-01.

Conditions:
DUSP6-related disorder. Also called: DUSP6-related condition.

Allele frequency attached by ClinVar (database versions not stated): ExAC 0.00047; ESP Exome Variant Server 0.00093; 1000 Genomes Project 30x 0.00125; gnomAD 0.00139 and 0.00150; TOPMed 0.00153; 1000 Genomes Project 0.00160.
gnomAD v4.1: 401 of 1,592,914 alleles (0.025%); highest among the groups gnomAD compares: African/African-American, 0.45%; 2 homozygotes.

Submissions (3):

CeGaT Center for Human Genetics Tuebingen
Classification: Likely benign. Last evaluated: 2026-09-01. Review status: criteria provided, single submitter. Criteria: CeGaT Center For Human Genetics Tuebingen Variant Classification Criteria Version 2. Collection method: clinical testing. Allele origin: germline. Affected: yes. Observed: 1 variant allele.
Comment: DUSP6: BP4, BS1

Labcorp Genetics (formerly Invitae), Labcorp
Classification: Benign. Last evaluated: 2025-04-26. Review status: criteria provided, single submitter. Criteria: Invitae Variant Classification Sherloc (09022015). Collection method: clinical testing. Allele origin: germline.

PreventionGenetics, part of Exact Sciences
Classification: Likely benign for DUSP6-related condition. Last evaluated: 2024-06-21. Review status: no assertion criteria provided. Collection method: clinical testing. Allele origin: germline. Not counted in ClinVar's aggregate classification.
Comment: This variant is classified as likely benign based on ACMG/AMP sequence variant interpretation guidelines (Richards et al. 2015 PMID: 25741868, with internal and published modifications).

NM_001946.4(DUSP6):c.400+7G>T

Genes: DUSP6 (dual specificity phosphatase 6; minus strand), POC1B-DUSP6 (POC1B-DUSP6 readthrough; minus strand). Cytogenetic location: 12q21.33.
Variant type: single nucleotide variant.
Coding change: c.400+7G>T on transcript NM_001946.4 (MANE Select); 7 bases into the intron after coding-DNA position 400, G replaced by T.
Molecular consequence: intron variant.
Genome position (GRCh38, 1-based): chr12:89,351,633, C>A on the plus strand (G>T on the coding strand, the complement: DUSP6 is on the minus strand). VCF-style: chr12-89351633-C-A. GRCh37 (hg19) VCF-style: chr12-89745410-C-A.
Other names: c.400+7G>T (NM_022652.4).
Identifiers: ClinVar variation 710023 (VCV000710023.10), dbSNP rs367702814, ClinGen allele CA6714060.